The following is an entry in ClinVar:

NM_153717.3(EVC):c.1060G>T (p.Glu354Ter)

Gene: EVC (EvC ciliary complex subunit 1; plus strand). Cytogenetic location: 4p16.2.
Variant type: single nucleotide variant.
Coding change: c.1060G>T on transcript NM_153717.3 (MANE Select); coding-DNA position 1060, G replaced by T.
Protein change: p.Glu354Ter; replaces glutamic acid 354 with a stop codon.
Molecular consequence: nonsense.
Genome position (GRCh38, 1-based): chr4:5,748,268, G>T. VCF-style: chr4-5748268-G-T. GRCh37 (hg19) VCF-style: chr4-5749995-G-T.
Other names: c.1060G>T, p.Glu354Ter (NM_001306090.2, NM_001306092.2); short protein forms E354*.
Identifiers: ClinVar variation 552459 (VCV000552459.13), dbSNP rs779915989, ClinGen allele CA2835971.

ClinVar aggregate classification (germline): Pathogenic. Review status: criteria provided, multiple submitters, no conflicts (2 of 4 stars). 4 submissions from 4 submitters: Pathogenic (3). 1 of the submissions does not count toward it. Last evaluated 2025-08-18.

Conditions:
Curry-Hall syndrome (WAD). Also called: WEYERS ACRODENTAL DYSOSTOSIS. Identifiers: Orphanet 952, MedGen C0457013, MONDO:0008673, OMIM 193530.
Ellis-van Creveld syndrome (EVC). Also called: EVC2-Related Ellis-van Creveld Syndrome; EVC-Related Ellis-van Creveld Syndrome; MESOECTODERMAL DYSPLASIA; Chondroectodermal dysplasia. Identifiers: Orphanet 289, MedGen C0013903, MONDO:0009162, OMIM 225500.

Allele frequency attached by ClinVar (database versions not stated): TOPMed 0.00002.
gnomAD v4.1: 13 of 1,613,988 alleles (0.00081%); highest among the groups gnomAD compares: Non-Finnish European, 0.001%; no homozygotes.

Submissions (4):

Labcorp Genetics (formerly Invitae), Labcorp
Classification: Pathogenic for Curry-Hall syndrome; Ellis-van Creveld syndrome. Last evaluated: 2025-08-18. Review status: criteria provided, single submitter. Criteria: Invitae Variant Classification Sherloc (09022015). Collection method: clinical testing. Allele origin: germline.
Comment: This sequence change creates a premature translational stop signal (p.Glu354*) in the EVC gene. It is expected to result in an absent or disrupted protein product. Loss-of-function variants in EVC are known to be pathogenic (PMID: 23220543). This variant is present in population databases (rs779915989, gnomAD 0.0009%). This premature translational stop signal has been observed in individual(s) with Ellis-van Creveld syndrome (PMID: 19810119). ClinVar contains an entry for this variant (Variation ID: 552459). For these reasons, this variant has been classified as Pathogenic.

Fulgent Genetics
Classification: Pathogenic for Curry-Hall syndrome; Ellis-van Creveld syndrome. Last evaluated: 2024-06-23. Review status: criteria provided, single submitter. Criteria: ACMG Guidelines, 2015. Collection method: clinical testing. Allele origin: germline.

Natera, Inc.
Classification: Pathogenic for Ellis-van Creveld syndrome. Last evaluated: 2024-02-22. Review status: criteria provided, single submitter. Criteria: Natera Variant Classification Schema (03/2026). Collection method: clinical testing. Allele origin: germline.
Comment: The c.1060G>T variant in EVC is a nonsense variant predicted to introduce a stop codon at amino acid 354. This variant is expected to result in nonsense mediated decay, truncation, or a dysfunctional protein product. This variant is rare in the general population with a frequency below the threshold expected for the associated phenotype(s). This variant has been observed in one or more individuals affected with the associated recessive disease, as either homozygous or compound heterozygous with a second variant (PMID: 19810119). Given the available evidence, this variant is classified as Pathogenic.

Counsyl
Classification: Likely pathogenic for Ellis-van Creveld syndrome. Last evaluated: 2017-06-12. Review status: no assertion criteria provided. Collection method: clinical testing. Allele origin: unknown. Not counted in ClinVar's aggregate classification.

Literature cited by the submitters: PubMed 23220543 (cited by Labcorp Genetics (formerly Invitae), Labcorp); PubMed 19810119 (cited by 3 submitters).